The following is an entry in ClinVar:

NM_203447.4(DOCK8):c.1189T>C (p.Tyr397His)

Gene: DOCK8 (dedicator of cytokinesis 8; plus strand). Cytogenetic location: 9p24.3.
Variant type: single nucleotide variant.
Coding change: c.1189T>C on transcript NM_203447.4 (MANE Select); coding-DNA position 1189, T replaced by C.
Protein change: p.Tyr397His; replaces tyrosine 397 with histidine.
Molecular consequence: missense variant.
Genome position (GRCh38, 1-based): chr9:334,288, T>C. VCF-style: chr9-334288-T-C. GRCh37 (hg19) VCF-style: chr9-334288-T-C.
Other names: c.985T>C, p.Tyr329His (NM_001190458.2, NM_001193536.2); short protein forms Y329H, Y397H.
Identifiers: ClinVar variation 1963084 (VCV001963084.5), dbSNP rs770926267, ClinGen allele CA4957641.
Genomic context (GRCh38, chr9:334,288, plus strand): 5'-AAAGAAAAGATTGAAAAACTAAAACTCCAAGCTGAATCCTTCTGCCAGCGTTTGGGGAAA[T>C]ACCGGATGCCCTTTGCCTGGGCACCCATAAGCTTATCAAGCTTCTTCAATGTCTCCACCC-3'
Protein context (NP_982272.2, residues 387-407): AESFCQRLGK[Tyr397His]RMPFAWAPIS

ClinVar aggregate classification (germline): Uncertain significance (1 of 4 stars; one submission).

Conditions:
Combined immunodeficiency due to DOCK8 deficiency (HIES2). Also called: HYPER-IgE SYNDROME 2, AUTOSOMAL RECESSIVE, WITH RECURRENT INFECTIONS; HIES autosomal recessive; Hyper-IgE recurrent infection syndrome, autosomal recessive; HYPER-IgE RECURRENT INFECTION SYNDROME 2, AUTOSOMAL RECESSIVE; DOCK8 Deficiency. Identifiers: Orphanet 217390, MedGen C4722305, MONDO:0009478, OMIM 243700.

Allele frequency attached by ClinVar (database versions not stated): gnomAD exomes below 0.00001; ExAC 0.00001; TOPMed 0.00001; gnomAD 0.00003.
gnomAD v4.1: 10 of 1,614,078 alleles (0.00062%); highest among the groups gnomAD compares: Admixed American, 0.013%; no homozygotes.

Submission:

Labcorp Genetics (formerly Invitae), Labcorp
Classification: Uncertain significance for Combined immunodeficiency due to DOCK8 deficiency. Last evaluated: 2025-12-23. Review status: criteria provided, single submitter. Criteria: Invitae Variant Classification Sherloc (09022015). Collection method: clinical testing. Allele origin: germline.
Comment: This sequence change replaces tyrosine, which is neutral and polar, with histidine, which is basic and polar, at codon 397 of the DOCK8 protein (p.Tyr397His). This variant is present in population databases (rs770926267, gnomAD 0.006%). This variant has not been reported in the literature in individuals affected with DOCK8-related conditions. ClinVar contains an entry for this variant (Variation ID: 1963084). Invitae Evidence Modeling of protein sequence and biophysical properties (such as structural, functional, and spatial information, amino acid conservation, physicochemical variation, residue mobility, and thermodynamic stability) indicates that this missense variant is expected to disrupt DOCK8 protein function with a positive predictive value of 80%. In summary, the available evidence is currently insufficient to determine the role of this variant in disease. Therefore, it has been classified as a Variant of Uncertain Significance.